The following is an entry in ClinVar:

ClinVar aggregate classification (germline): Uncertain significance. Review status: criteria provided, multiple submitters, no conflicts (2 of 4 stars). 3 submissions from 3 submitters: Uncertain significance (3). Last evaluated 2025-07-16.

Conditions:
Inborn genetic diseases. Identifiers: MedGen C0950123, MeSH D030342.

Allele frequency attached by ClinVar (database versions not stated): gnomAD exomes below 0.00001 and 0.00003; gnomAD 0.00001.

Submissions (3):

Ambry Genetics
Classification: Uncertain significance for Inborn genetic diseases. Last evaluated: 2025-07-16. Review status: criteria provided, single submitter. Criteria: Ambry Variant Classification Scheme 2023. Collection method: clinical testing. Allele origin: germline.

Blueprint Genetics
Classification: Uncertain significance. Last evaluated: 2023-07-20. Review status: criteria provided, single submitter. Criteria: ACMG Guidelines, 2015. Collection method: clinical testing. Allele origin: germline.

Labcorp Genetics (formerly Invitae), Labcorp
Classification: Uncertain significance. Last evaluated: 2022-03-03. Review status: criteria provided, single submitter. Criteria: Invitae Variant Classification Sherloc (09022015). Collection method: clinical testing. Allele origin: germline.
Comment: This sequence change replaces histidine, which is basic and polar, with tyrosine, which is neutral and polar, at codon 241 of the COL9A1 protein (p.His241Tyr). The frequency data for this variant in the population databases is considered unreliable, as metrics indicate poor data quality at this position in the gnomAD database. This variant has not been reported in the literature in individuals affected with COL9A1-related conditions. Advanced modeling of protein sequence and biophysical properties (such as structural, functional, and spatial information, amino acid conservation, physicochemical variation, residue mobility, and thermodynamic stability) performed at Invitae indicates that this missense variant is not expected to disrupt COL9A1 protein function. In summary, the available evidence is currently insufficient to determine the role of this variant in disease. Therefore, it has been classified as a Variant of Uncertain Significance.

NM_001851.6(COL9A1):c.721C>T (p.His241Tyr)

Gene: COL9A1 (collagen type IX alpha 1 chain; minus strand). Cytogenetic location: 6q13.
Variant type: single nucleotide variant.
Coding change: c.721C>T on transcript NM_001851.6 (MANE Select); coding-DNA position 721, C replaced by T.
Protein change: p.His241Tyr; replaces histidine 241 with tyrosine.
Molecular consequence: missense variant.
Genome position (GRCh38, 1-based): chr6:70,283,796, G>A on the plus strand (C>T on the coding strand, the complement: COL9A1 is on the minus strand). VCF-style: chr6-70283796-G-A. GRCh37 (hg19) VCF-style: chr6-70993499-G-A.
Other names: c.721C>T, p.His241Tyr (NM_001377291.1); c.721C>T (NM_001851.4); short protein forms H241Y.
Identifiers: ClinVar variation 1365020 (VCV001365020.7), dbSNP rs762463023, ClinGen allele CA140820542.
Genomic context (GRCh38, chr6:70,283,796, plus strand): 5'-CCGTTATTCTGGCTGGCAGCTCATGGCAAGTTTCTCTCCTGGGCCGCAGGGGGTCACAAT[G>A]GATCAGCATCCATTGAAGTTCAAACTGGAGAAAGGTAGTAGACAGTCAGGTAAGGTTTTT-3'
Protein context (NP_001842.3, residues 231-251): VPFELQWMLI[His241Tyr]CDPLRPRRET